The following is an entry in ClinVar:

NM_001330564.2(ZC3H13):c.210T>C (p.Tyr70=)

Gene: ZC3H13 (zinc finger CCCH-type containing 13; minus strand). Cytogenetic location: 13q14.13.
Variant type: single nucleotide variant.
Coding change: c.210T>C on transcript NM_001330564.2 (MANE Select); coding-DNA position 210, T replaced by C.
Protein change: p.Tyr70=; no amino-acid change (tyrosine 70 retained).
Molecular consequence: synonymous variant. On other transcripts: non-coding transcript variant (1), intron variant (1).
Genome position (GRCh38, 1-based): chr13:46,044,972, A>G on the plus strand (T>C on the coding strand, the complement: ZC3H13 is on the minus strand). VCF-style: chr13-46044972-A-G. GRCh37 (hg19) VCF-style: chr13-46619107-A-G.
Other names: c.210T>C, p.Tyr70= (NM_001076788.2, NM_001330565.2, NM_001330566.2 and 10 more transcripts); c.-163+7726T>C (NM_001382214.1).
Identifiers: ClinVar variation 2643808 (VCV002643808.24), dbSNP rs1453640206, ClinGen allele CA483529008.

ClinVar aggregate classification (germline): Likely benign (1 of 4 stars; one submission).

Allele frequency attached by ClinVar (database versions not stated): gnomAD exomes below 0.00001; TOPMed below 0.00001.
gnomAD v4.1: 4 of 1,612,324 alleles (0.00025%); highest among the groups gnomAD compares: East Asian, 0.0022%; no homozygotes.

Submission:

CeGaT Center for Human Genetics Tuebingen
Classification: Likely benign. Last evaluated: 2023-01-01. Review status: criteria provided, single submitter. Criteria: CeGaT Center For Human Genetics Tuebingen Variant Classification Criteria Version 2. Collection method: clinical testing. Allele origin: germline. Affected: yes. Observed: 1 variant allele.
Comment: ZC3H13: BP4, BP7